The following is an entry in ClinVar:

ClinVar aggregate classification (germline): Pathogenic/Likely pathogenic. Review status: criteria provided, multiple submitters, no conflicts (2 of 4 stars). 2 submissions from 2 submitters: Pathogenic (1); Likely pathogenic (1). Last evaluated 2024-05-27.

Conditions:
SLC34A3-related disorder. Also called: SLC34A3-related condition.

Allele frequency attached by ClinVar (database versions not stated): TOPMed below 0.00001; gnomAD 0.00001; gnomAD exomes 0.00001; ExAC 0.00003.

Submissions (2):

Blueprint Genetics
Classification: Likely pathogenic for SLC34A3-related disorders. Last evaluated: 2024-05-27. Review status: criteria provided, single submitter. Criteria: ACMG Guidelines, 2015. Collection method: clinical testing. Allele origin: germline. Affected: yes. Observed: 2 variant alleles.

Labcorp Genetics (formerly Invitae), Labcorp
Classification: Pathogenic. Last evaluated: 2024-02-26. Review status: criteria provided, single submitter. Criteria: Invitae Variant Classification Sherloc (09022015). Collection method: clinical testing. Allele origin: germline.
Comment: This sequence change affects a donor splice site in intron 10 of the SLC34A3 gene. It is expected to disrupt RNA splicing. Variants that disrupt the donor or acceptor splice site typically lead to a loss of protein function (PMID: 16199547), and loss-of-function variants in SLC34A3 are known to be pathogenic (PMID: 16358214, 16358215, 22159077). This variant is present in population databases (rs751776251, gnomAD 0.003%). Disruption of this splice site has been observed in individual(s) with hereditary hypophosphatemic rickets with hypercalciuria (PMID: 34666334). ClinVar contains an entry for this variant (Variation ID: 859526). Algorithms developed to predict the effect of sequence changes on RNA splicing suggest that this variant may disrupt the consensus splice site. For these reasons, this variant has been classified as Pathogenic.

Literature cited by the submitters: PubMed 16199547 (cited by Labcorp Genetics (formerly Invitae), Labcorp); PubMed 16358214 (cited by Labcorp Genetics (formerly Invitae), Labcorp); PubMed 16358215 (cited by Labcorp Genetics (formerly Invitae), Labcorp); PubMed 22159077 (cited by Labcorp Genetics (formerly Invitae), Labcorp); PubMed 34666334 (cited by Labcorp Genetics (formerly Invitae), Labcorp).

NM_001177316.2(SLC34A3):c.1093+1G>C

Gene: SLC34A3 (solute carrier family 34 member 3; plus strand). Cytogenetic location: 9q34.3.
Variant type: single nucleotide variant.
Coding change: c.1093+1G>C on transcript NM_001177316.2 (MANE Select); the canonical splice donor site of the intron after coding-DNA position 1093, G replaced by C.
Molecular consequence: splice donor variant.
Genome position (GRCh38, 1-based): chr9:137,234,277, G>C. VCF-style: chr9-137234277-G-C. GRCh37 (hg19) VCF-style: chr9-140128729-G-C.
Other names: c.1093+1G>C (NM_001177317.2, NM_080877.3).
Identifiers: ClinVar variation 859526 (VCV000859526.9), dbSNP rs751776251, ClinGen allele CA5364767.
Genomic context (GRCh38, chr9:137,234,277, plus strand): 5'-TGCTCAACTCTGTGCTGCGCGGCCGCGTGGCCCAGGTCGTGAGGACAGTCATCAATGCGG[G>C]TGAGGGCGTGGGAGGAGGTGCGGTGGCCAGGGCTGACCCAGCATCCCCCATAGACTTCCC-3'